The following is an entry in ClinVar:

NM_032578.4(MYPN):c.570A>C (p.Lys190Asn)

Gene: MYPN (myopalladin; plus strand). Cytogenetic location: 10q21.3.
Variant type: single nucleotide variant.
Coding change: c.570A>C on transcript NM_032578.4 (MANE Select); coding-DNA position 570, A replaced by C.
Protein change: p.Lys190Asn; replaces lysine 190 with asparagine.
Molecular consequence: missense variant. On other transcripts: 5 prime UTR variant (1), non-coding transcript variant (1).
Genome position (GRCh38, 1-based): chr10:68,122,008, A>C. VCF-style: chr10-68122008-A-C. GRCh37 (hg19) VCF-style: chr10-69881765-A-C.
Other names: c.570A>C, p.Lys190Asn (NM_001256267.2); c.-553A>C (NM_001256268.2); c.570A>C (NM_032578.2); short protein forms K190N.
Identifiers: ClinVar variation 856412 (VCV000856412.9), dbSNP rs1163308868, ClinGen allele CA377104650.

ClinVar aggregate classification (germline): Conflicting classifications of pathogenicity. Review status: criteria provided, conflicting classifications (1 of 4 stars). 2 submissions from 2 submitters: Uncertain significance (1); Likely benign (1). Last evaluated 2023-12-26.

Conditions:
Cardiovascular phenotype. Identifiers: MedGen CN230736.
Dilated cardiomyopathy 1KK (CMD1KK). Identifiers: Orphanet 154, Orphanet 75249, MedGen C3714995, MONDO:0014100, OMIM 615248.

Allele frequency attached by ClinVar (database versions not stated): TOPMed below 0.00001.

Submissions (2):

Ambry Genetics
Classification: Likely benign for Cardiovascular phenotype. Last evaluated: 2023-12-26. Review status: criteria provided, single submitter. Criteria: Ambry Variant Classification Scheme 2023. Collection method: clinical testing. Allele origin: germline.

Labcorp Genetics (formerly Invitae), Labcorp
Classification: Uncertain significance for Dilated cardiomyopathy 1KK. Last evaluated: 2021-08-28. Review status: criteria provided, single submitter. Criteria: Invitae Variant Classification Sherloc (09022015). Collection method: clinical testing. Allele origin: germline.
Comment: This sequence change replaces lysine with asparagine at codon 190 of the MYPN protein (p.Lys190Asn). The lysine residue is moderately conserved and there is a moderate physicochemical difference between lysine and asparagine. This variant is not present in population databases (ExAC no frequency). This variant has not been reported in the literature in individuals affected with MYPN-related conditions. Algorithms developed to predict the effect of missense changes on protein structure and function (SIFT, PolyPhen-2, Align-GVGD) all suggest that this variant is likely to be tolerated. In summary, the available evidence is currently insufficient to determine the role of this variant in disease. Therefore, it has been classified as a Variant of Uncertain Significance.